The following is an entry in ClinVar:

ClinVar aggregate classification (germline): Uncertain significance (1 of 4 stars; one submission).

Submission:

Labcorp Genetics (formerly Invitae), Labcorp
Classification: Uncertain significance. Last evaluated: 2025-12-22. Review status: criteria provided, single submitter. Criteria: Invitae Variant Classification Sherloc (09022015). Collection method: clinical testing. Allele origin: germline.
Comment: This sequence change replaces glutamic acid, which is acidic and polar, with lysine, which is basic and polar, at codon 113 of the POLE protein (p.Glu113Lys). This variant is not present in population databases (gnomAD no frequency). This variant has not been reported in the literature in individuals affected with POLE-related conditions. ClinVar contains an entry for this variant (Variation ID: 1984574). Invitae Evidence Modeling of protein sequence and biophysical properties (such as structural, functional, and spatial information, amino acid conservation, physicochemical variation, residue mobility, and thermodynamic stability) indicates that this missense variant is not expected to disrupt POLE protein function with a negative predictive value of 80%. In summary, the available evidence is currently insufficient to determine the role of this variant in disease. Therefore, it has been classified as a Variant of Uncertain Significance.

NM_006231.4(POLE):c.337G>A (p.Glu113Lys)

Gene: POLE (DNA polymerase epsilon, catalytic subunit; minus strand). Cytogenetic location: 12q24.33.
Variant type: single nucleotide variant.
Coding change: c.337G>A on transcript NM_006231.4 (MANE Select); coding-DNA position 337, G replaced by A.
Protein change: p.Glu113Lys; replaces glutamic acid 113 with lysine.
Molecular consequence: missense variant.
Genome position (GRCh38, 1-based): chr12:132,680,040, C>T on the plus strand (G>A on the coding strand, the complement: POLE is on the minus strand). VCF-style: chr12-132680040-C-T. GRCh37 (hg19) VCF-style: chr12-133256626-C-T.
Other names: short protein forms E113K.
Identifiers: ClinVar variation 1984574 (VCV001984574.4), dbSNP rs2542190799, ClinGen allele CA387368379.